The following is an entry in ClinVar:

NM_001099289.3(SH3RF3):c.1618G>A (p.Gly540Arg)

Genes: RANBP2 (RAN binding protein 2; plus strand), SH3RF3 (SH3 domain containing ring finger 3; plus strand). Cytogenetic location: 2q13.
Variant type: single nucleotide variant.
Coding change: c.1618G>A on transcript NM_001099289.3 (MANE Select); coding-DNA position 1618, G replaced by A.
Protein change: p.Gly540Arg; replaces glycine 540 with arginine.
Molecular consequence: missense variant.
Genome position (GRCh38, 1-based): chr2:109,436,936, G>A. VCF-style: chr2-109436936-G-A. GRCh37 (hg19) VCF-style: chr2-110053392-G-A.
Other names: short protein forms G540R.
Identifiers: ClinVar variation 2343470 (VCV002343470.2), dbSNP rs371298309, ClinGen allele CA1825716.

ClinVar aggregate classification (germline): Uncertain significance (1 of 4 stars; one submission).

Allele frequency attached by ClinVar (database versions not stated): gnomAD 0.00001; gnomAD exomes 0.00003; ExAC 0.00005; TOPMed 0.00006; ESP Exome Variant Server 0.00008.
gnomAD v4.1: 40 of 1,613,612 alleles (0.0025%); highest among the groups gnomAD compares: Admixed American, 0.04%; no homozygotes.

Submission:

Ambry Genetics
Classification: Uncertain significance. Last evaluated: 2022-07-05. Review status: criteria provided, single submitter. Criteria: Ambry Variant Classification Scheme 2023. Collection method: clinical testing. Allele origin: germline.
Comment: The c.1618G>A (p.G540R) alteration is located in exon (coding exon ) of the SH3RF3 gene. This alteration results from a G to A substitution at nucleotide position 1618, causing the glycine (G) at amino acid position 540 to be replaced by an arginine (R). Based on insufficient or conflicting evidence, the clinical significance of this alteration remains unclear.